The following is an entry in ClinVar:

ClinVar aggregate classification (germline): Conflicting classifications of pathogenicity. Review status: criteria provided, conflicting classifications (1 of 4 stars). 5 submissions from 5 submitters: Uncertain significance (1); Benign (1); Likely benign (2). 1 of the submissions does not count toward it. Last evaluated 2026-01-16.

Conditions:
CLN8-related disorder. Also called: CLN8-related condition.
Neuronal ceroid lipofuscinosis. Also called: Neuronal Ceroid Lipofuscinoses. Identifiers: Orphanet 216, Orphanet 79263, MedGen C0027877, MONDO:0016295. Disease mechanism: loss of function.
Inborn genetic diseases. Identifiers: MedGen C0950123, MeSH D030342.

Allele frequency attached by ClinVar (database versions not stated): gnomAD exomes 0.00006; TOPMed 0.00006; gnomAD 0.00007 and 0.00008; ExAC 0.00008; ESP Exome Variant Server 0.00023.
gnomAD v4.1: 222 of 1,613,840 alleles (0.014%); highest among the groups gnomAD compares: Non-Finnish European, 0.018%; no homozygotes.

Submissions (5):

Labcorp Genetics (formerly Invitae), Labcorp
Classification: Likely benign for Neuronal ceroid lipofuscinosis. Last evaluated: 2026-01-16. Review status: criteria provided, single submitter. Criteria: Invitae Variant Classification Sherloc (09022015). Collection method: clinical testing. Allele origin: germline.

Eurofins Ntd Llc (ga)
Classification: Uncertain significance. Last evaluated: 2017-09-27. Review status: criteria provided, single submitter. Criteria: EGL Classification Definitions 2015. Collection method: clinical testing. Allele origin: germline. Observed: 1 variant allele, 1 heterozygote.

Ambry Genetics
Classification: Likely benign for Inborn genetic diseases. Last evaluated: 2017-06-21. Review status: criteria provided, single submitter. Criteria: Ambry Variant Classification Scheme 2023. Collection method: clinical testing. Allele origin: germline.

GeneDx
Classification: Benign. Last evaluated: 2014-09-15. Review status: criteria provided, single submitter. Criteria: GeneDx Variant Classification (06012015). Collection method: clinical testing. Allele origin: germline. Affected: yes.
Comment: This variant is considered likely benign or benign based on one or more of the following criteria: it is a conservative change, it occurs at a poorly conserved position in the protein, it is predicted to be benign by multiple in silico algorithms, and/or has population frequency not consistent with disease.

PreventionGenetics, part of Exact Sciences
Classification: Likely benign for CLN8-related condition. Last evaluated: 2024-06-26. Review status: no assertion criteria provided. Collection method: clinical testing. Allele origin: germline. Not counted in ClinVar's aggregate classification.
Comment: This variant is classified as likely benign based on ACMG/AMP sequence variant interpretation guidelines (Richards et al. 2015 PMID: 25741868, with internal and published modifications).

NM_018941.4(CLN8):c.522C>T (p.Cys174=)

Gene: CLN8 (CLN8 transmembrane ER and ERGIC protein; plus strand). Cytogenetic location: 8p23.3.
Variant type: single nucleotide variant.
Coding change: c.522C>T on transcript NM_018941.4 (MANE Select); coding-DNA position 522, C replaced by T.
Protein change: p.Cys174=; no amino-acid change (cysteine 174 retained).
Molecular consequence: synonymous variant.
Genome position (GRCh38, 1-based): chr8:1,771,576, C>T. VCF-style: chr8-1771576-C-T. GRCh37 (hg19) VCF-style: chr8-1719742-C-T.
Other names: p.C174C:TGC>TGT.
Identifiers: ClinVar variation 205190 (VCV000205190.19), dbSNP rs148417620, ClinGen allele CA314002.
Genomic context (GRCh38, chr8:1,771,576, plus strand): 5'-AGCTGGCCACTATCTAGCTATGACCACGTTGCTCCTGGAGATGAGCACGCCCTTTACCTG[C>T]GTTTCCTGGATGCTCTTAAAGGTAAGTGCATGCATCAGCAGAAGATGACATGTGCCTCAC-3'
Protein context (NP_061764.2, residues 164-184): LLLEMSTPFT[Cys174=]VSWMLLKAGW